The following is an entry in ClinVar:

NM_001013672.5(LIAT1):c.711C>T (p.Pro237=)

Genes: LIAT1 (ligand of ATE1; plus strand), LOC105371430 (uncharacterized LOC105371430; minus strand). Cytogenetic location: 17p13.3.
Variant type: single nucleotide variant.
Coding change: c.711C>T on transcript NM_001013672.5 (MANE Select); coding-DNA position 711, C replaced by T.
Protein change: p.Pro237=; no amino-acid change (proline 237 retained).
Molecular consequence: synonymous variant.
Genome position (GRCh38, 1-based): chr17:413,554, C>T. VCF-style: chr17-413554-C-T. GRCh37 (hg19) VCF-style: chr17-263345-C-T.
Identifiers: ClinVar variation 4821636 (VCV004821636.4).

ClinVar aggregate classification (germline): Likely benign (1 of 4 stars; one submission).

Submission:

CeGaT Center for Human Genetics Tuebingen
Classification: Likely benign. Last evaluated: 2026-03-01. Review status: criteria provided, single submitter. Criteria: CeGaT Center For Human Genetics Tuebingen Variant Classification Criteria Version 2. Collection method: clinical testing. Allele origin: germline. Affected: yes. Observed: 2 variant alleles.
Comment: LIAT1: BP4, BP7